The following is an entry in ClinVar:

NM_005982.4(SIX1):c.561-4_598del

Gene: SIX1 (SIX homeobox 1; minus strand). Cytogenetic location: 14q23.1.
Variant type: Deletion.
Coding change: c.561-4_598del on transcript NM_005982.4 (MANE Select); 4 bases into the intron before coding-DNA position 561 through coding-DNA position 598, 42 bases deleted.
Molecular consequence: splice acceptor variant.
Genome position (GRCh38, 1-based): chr14:60,646,540-60,646,581, 42 bases deleted; deleting any 42 consecutive bases within chr14:60,646,540-60,646,582 gives the same sequence; the c. name uses the placement nearest the transcript's 3' end. GRCh37 (hg19): chr14:61,113,259-61,113,300.
Other names: c.502-4_*17del (NM_001425142.1).
Identifiers: ClinVar variation 4813259 (VCV004813259.1).
Genomic context (GRCh38, chr14:60,646,539, plus strand): 5'-AATTCCTCTTCTGAGCTGGACATGAGCGGCTTGCCCCCTTCCAGAGGAGAGAGTTGGTTC[TGCTTGTTGGAGGAGGAGTTATTGTTTTCGGTGTTCTCCCTAA>T]GAAATAGAGGACAACACCATATGGTTAAAAAAAAAAAAAAAAAAAAAAAGTAGGTTAAAA-3'

ClinVar aggregate classification (germline): Uncertain significance (1 of 4 stars; one submission).

Submission:

GeneDx
Classification: Uncertain significance. Last evaluated: 2025-09-03. Review status: criteria provided, single submitter. Criteria: GeneDx Variant Classification Process June 2021. Collection method: clinical testing. Allele origin: germline. Affected: yes.
Comment: Not observed at significant frequency in large population cohorts (gnomAD); Canonical splice site variant in a gene or region of a gene for which loss of function is not a well-established mechanism of disease; Has not been previously published as pathogenic or benign to our knowledge